The following is an entry in ClinVar:

ClinVar aggregate classification (germline): Uncertain significance (1 of 4 stars; one submission).

Conditions:
Hereditary cancer-predisposing syndrome. Also called: Hereditary Cancer Syndrome; Hereditary neoplastic syndrome; Neoplastic Syndromes, Hereditary; Tumor predisposition. Identifiers: Orphanet 140162, MedGen C0027672, MeSH D009386, MONDO:0015356.

Submission:

Ambry Genetics
Classification: Uncertain significance for Hereditary cancer-predisposing syndrome. Last evaluated: 2022-04-01. Review status: criteria provided, single submitter. Criteria: Ambry Variant Classification Scheme 2023. Collection method: clinical testing. Allele origin: germline.
Comment: The p.V467G variant (also known as c.1400T>G), located in coding exon 9 of the FLCN gene, results from a T to G substitution at nucleotide position 1400. The valine at codon 467 is replaced by glycine, an amino acid with dissimilar properties. This amino acid position is conserved. In addition, this alteration is predicted to be deleterious by in silico analysis. Since supporting evidence is limited at this time, the clinical significance of this alteration remains unclear.

NM_144997.7(FLCN):c.1400T>G (p.Val467Gly)

Gene: FLCN (folliculin; minus strand). Cytogenetic location: 17p11.2.
Variant type: single nucleotide variant.
Coding change: c.1400T>G on transcript NM_144997.7 (MANE Select); coding-DNA position 1400, T replaced by G.
Protein change: p.Val467Gly; replaces valine 467 with glycine.
Molecular consequence: missense variant.
Genome position (GRCh38, 1-based): chr17:17,215,217, A>C on the plus strand (T>G on the coding strand, the complement: FLCN is on the minus strand). VCF-style: chr17-17215217-A-C. GRCh37 (hg19) VCF-style: chr17-17118531-A-C.
Other names: c.1454T>G, p.Val485Gly (NM_001353229.2); c.1400T>G, p.Val467Gly (NM_001353230.2, NM_001353231.2); short protein forms V467G, V485G.
Identifiers: ClinVar variation 1771797 (VCV001771797.2), dbSNP rs2544145701, ClinGen allele CA398531190.
Genomic context (GRCh38, chr17:17,215,217, plus strand): 5'-AAAGGACACTCTGCCTGGGGGCACCCACCTCGGTCTGCAGCTACAGGGCTCCCACTGGTC[A>C]CCACAAACTCGTACTTGCTGAGAGACTGGTCATCCTCACACCCCACAGGGTGGAGGGTGG-3'
Protein context (NP_659434.2, residues 457-477): DQSLSKYEFV[Val467Gly]TSGSPVAADR